The following is an entry in ClinVar:

NM_000051.4(ATM):c.3746+3A>G

Gene: ATM (ATM serine/threonine kinase; plus strand). Cytogenetic location: 11q22.3.
Variant type: single nucleotide variant.
Coding change: c.3746+3A>G on transcript NM_000051.4 (MANE Select); 3 bases into the intron after coding-DNA position 3746, A replaced by G.
Molecular consequence: intron variant.
Genome position (GRCh38, 1-based): chr11:108,282,882, A>G. VCF-style: chr11-108282882-A-G. GRCh37 (hg19) VCF-style: chr11-108153609-A-G.
Other names: c.3746+3A>G (NM_001351834.2).
Identifiers: ClinVar variation 1488058 (VCV001488058.6), dbSNP rs2135691310, ClinGen allele CA2573146615.
Genomic context (GRCh38, chr11:108,282,882, plus strand): 5'-ACTTATCTTCTTTTCCTTTTATTTTATTAAACTACACAAATATTGAGGATTTCTATAGGT[A>G]AGTTTATACATGACATATGTGAAATTTGTTTAATTTAAAATTAGTTAACAATACTTAGCA-3'

ClinVar aggregate classification (germline): Uncertain significance (1 of 4 stars; one submission).

Conditions:
Ataxia-telangiectasia syndrome (AT). Also called: LOUIS-BAR SYNDROME; Ataxia-telangiectasia; Cerebello-oculocutaneous telangiectasia; Immunodeficiency with ataxia telangiectasia; ATAXIA-TELANGIECTASIA, COMPLEMENTATION GROUP A; ATAXIA-TELANGIECTASIA, FRESNO VARIANT. Identifiers: Orphanet 100, MedGen C0004135, MONDO:0008840, OMIM 208900.

Submission:

Labcorp Genetics (formerly Invitae), Labcorp
Classification: Uncertain significance for Ataxia-telangiectasia syndrome. Last evaluated: 2022-06-20. Review status: criteria provided, single submitter. Criteria: Invitae Variant Classification Sherloc (09022015). Collection method: clinical testing. Allele origin: germline.
Comment: This sequence change falls in intron 25 of the ATM gene. It does not directly change the encoded amino acid sequence of the ATM protein. It affects a nucleotide within the consensus splice site. This variant is not present in population databases (gnomAD no frequency). This variant has not been reported in the literature in individuals affected with ATM-related conditions. Variants that disrupt the consensus splice site are a relatively common cause of aberrant splicing (PMID: 17576681, 9536098). Algorithms developed to predict the effect of sequence changes on RNA splicing suggest that this variant is not likely to affect RNA splicing. In summary, the available evidence is currently insufficient to determine the role of this variant in disease. Therefore, it has been classified as a Variant of Uncertain Significance.

Literature cited by the submitters: PubMed 17576681; PubMed 9536098.